The following is an entry in ClinVar:

ClinVar aggregate classification (germline): Conflicting classifications of pathogenicity. Review status: criteria provided, conflicting classifications (1 of 4 stars). 5 submissions from 5 submitters: Likely pathogenic (2); Uncertain significance (3). Last evaluated 2026-09-21.

Conditions:
Pheochromocytoma/paraganglioma syndrome 5. Also called: Paragangliomas 5; SDHA-Related Hereditary Paraganglioma-Pheochromocytoma Syndrome. Identifiers: Orphanet 29072, MedGen C3279992, MONDO:0013602, OMIM 614165.
Mitochondrial complex II deficiency, nuclear type 1. Also called: SUCCINATE CoQ REDUCTASE DEFICIENCY. Identifiers: Orphanet 3208, MedGen C5700310, MONDO:0100294, OMIM 252011.
Hereditary cancer-predisposing syndrome. Also called: Tumor predisposition; Hereditary neoplastic syndrome; Neoplastic Syndromes, Hereditary; Hereditary Cancer Syndrome. Identifiers: Orphanet 140162, MedGen C0027672, MeSH D009386, MONDO:0015356.
Dilated cardiomyopathy 1GG (CMD1GG). Identifiers: Orphanet 154, MedGen C3150898, MONDO:0013339, OMIM 613642.

Allele frequency attached by ClinVar (database versions not stated): gnomAD exomes below 0.00001.
gnomAD v4.1: 4 of 1,613,974 alleles (0.00025%); highest among the groups gnomAD compares: Non-Finnish European, 0.00034%; no homozygotes.

Submissions (5):

Myriad Genetics, Inc.
Classification: Likely pathogenic for Pheochromocytoma/paraganglioma syndrome 5. Last evaluated: 2026-09-21. Review status: criteria provided, single submitter. Criteria: Myriad Autosomal Dominant, Autosomal Recessive and X-Linked Classification Criteria (2023). Collection method: clinical testing. Allele origin: unknown.
Comment: This variant is considered likely pathogenic. mRNA analysis has demonstrated abnormal mRNA splicing occurs [Myriad internal data].

Ambry Genetics
Classification: Likely pathogenic for Hereditary cancer-predisposing syndrome. Last evaluated: 2026-05-12. Review status: criteria provided, single submitter. Criteria: Ambry Variant Classification Scheme 2023. Collection method: clinical testing. Allele origin: germline.
Comment: The c.456G>A variant (also known as p.E152E), located in coding exon 4 of the SDHA gene, results from a G to A substitution at nucleotide position 456. This nucleotide substitution does not change the glutamate at codon 152. However, this change occurs in the last base pair of coding exon 4, which makes it likely to have some effect on normal mRNA splicing. This nucleotide position is highly conserved in available vertebrate species. In silico splice site analysis predicts that this alteration will weaken the native splice donor site. RNA studies have demonstrated that this variant results in abnormal splicing in the set of samples tested (Ambry internal data). This variant is considered to be rare based on population cohorts in the Genome Aggregation Database (gnomAD). Based on the majority of available evidence to date, this variant is likely to be pathogenic.

Labcorp Genetics (formerly Invitae), Labcorp
Classification: Uncertain significance for Pheochromocytoma/paraganglioma syndrome 5; Mitochondrial complex II deficiency, nuclear type 1. Last evaluated: 2025-07-28. Review status: criteria provided, single submitter. Criteria: Invitae Variant Classification Sherloc (09022015). Collection method: clinical testing. Allele origin: germline.
Comment: This sequence change affects codon 152 of the SDHA mRNA. It is a 'silent' change, meaning that it does not change the encoded amino acid sequence of the SDHA protein. This variant also falls at the last nucleotide of exon 4, which is part of the consensus splice site for this exon. This variant is not present in population databases (gnomAD no frequency). This variant has not been reported in the literature in individuals affected with SDHA-related conditions. ClinVar contains an entry for this variant (Variation ID: 942329). Variants that disrupt the consensus splice site are a relatively common cause of aberrant splicing (PMID: 17576681, 9536098). Algorithms developed to predict the effect of sequence changes on RNA splicing suggest that this variant may disrupt the consensus splice site. In summary, the available evidence is currently insufficient to determine the role of this variant in disease. Therefore, it has been classified as a Variant of Uncertain Significance.

GeneDx
Classification: Uncertain significance. Last evaluated: 2023-03-30. Review status: criteria provided, single submitter. Criteria: GeneDx Variant Classification Process June 2021. Collection method: clinical testing. Allele origin: germline. Affected: yes.
Comment: Not observed at significant frequency in large population cohorts (gnomAD); In silico analysis supports a deleterious effect on splicing; Has not been previously published as pathogenic or benign to our knowledge

Baylor Genetics
Classification: Uncertain significance for Dilated cardiomyopathy 1GG. Last evaluated: 2022-04-06. Review status: criteria provided, single submitter. Criteria: ACMG Guidelines, 2015. Collection method: clinical testing. Allele origin: unknown.

Literature cited by the submitters: PubMed 17576681 (cited by Labcorp Genetics (formerly Invitae), Labcorp); PubMed 9536098 (cited by Labcorp Genetics (formerly Invitae), Labcorp).

NM_004168.4(SDHA):c.456G>A (p.Glu152=)

Gene: SDHA (succinate dehydrogenase complex flavoprotein subunit A; plus strand). Cytogenetic location: 5p15.33.
Variant type: single nucleotide variant.
Coding change: c.456G>A on transcript NM_004168.4 (MANE Select); coding-DNA position 456, G replaced by A.
Protein change: p.Glu152=; no amino-acid change (glutamic acid 152 retained).
Molecular consequence: synonymous variant. On other transcripts: intron variant (1).
Genome position (GRCh38, 1-based): chr5:225,562, G>A. VCF-style: chr5-225562-G-A. GRCh37 (hg19) VCF-style: chr5-225677-G-A.
Other names: c.456G>A, p.Glu152= (NM_001330758.2); c.313-321G>A (NM_001294332.2); c.456G>A (NM_004168.2).
Identifiers: ClinVar variation 942329 (VCV000942329.13), dbSNP rs1579384590, ClinGen allele CA442691017.